The following is an entry in ClinVar:

ClinVar aggregate classification (germline): Uncertain significance (1 of 4 stars; one submission).

Allele frequency attached by ClinVar (database versions not stated): gnomAD exomes below 0.00001; TOPMed 0.00001.

Submission:

Labcorp Genetics (formerly Invitae), Labcorp
Classification: Uncertain significance. Last evaluated: 2021-08-05. Review status: criteria provided, single submitter. Criteria: Invitae Variant Classification Sherloc (09022015). Collection method: clinical testing. Allele origin: germline.
Comment: This sequence change replaces isoleucine with valine at codon 868 of the CACNA1F protein (p.Ile868Val). The isoleucine residue is highly conserved and there is a small physicochemical difference between isoleucine and valine. This variant is not present in population databases (ExAC no frequency). This variant has not been reported in the literature in individuals with CACNA1F-related conditions. Algorithms developed to predict the effect of missense changes on protein structure and function (SIFT, PolyPhen-2, Align-GVGD) all suggest that this variant is likely to be tolerated, but these predictions have not been confirmed by published functional studies and their clinical significance is uncertain. In summary, the available evidence is currently insufficient to determine the role of this variant in disease. Therefore, it has been classified as a Variant of Uncertain Significance.

NM_001256789.3(CACNA1F):c.2569A>G (p.Ile857Val)

Gene: CACNA1F (calcium voltage-gated channel subunit alpha1 F; minus strand). Cytogenetic location: Xp11.23.
Variant type: single nucleotide variant.
Coding change: c.2569A>G on transcript NM_001256789.3 (MANE Select); coding-DNA position 2569, A replaced by G.
Protein change: p.Ile857Val; replaces isoleucine 857 with valine.
Molecular consequence: missense variant.
Genome position (GRCh38, 1-based): chrX:49,219,425, T>C on the plus strand (A>G on the coding strand, the complement: CACNA1F is on the minus strand). VCF-style: chrX-49219425-T-C. GRCh37 (hg19) VCF-style: chrX-49075884-T-C.
Other names: c.2407A>G, p.Ile803Val (NM_001256790.3); c.2602A>G, p.Ile868Val (NM_005183.4); short protein forms I803V, I868V, I857V.
Identifiers: ClinVar variation 1387884 (VCV001387884.8), dbSNP rs1360264438, ClinGen allele CA412965386.
Genomic context (GRCh38, chrX:49,219,425, plus strand): 5'-GGGACACACTGCTGAGGATGATGAACACCAGGATAAGATTGGTGAAGACATGATGGTGGA[T>C]GAGGGTGTGGCAGCCCTTCCTCAGCCTGTGGAGAGGGAGTGGGCCATGGTCAGAACTCAG-3'
Protein context (NP_001243718.1, residues 847-867): NPLRKGCHTL[Ile857Val]HHHVFTNLIL